The following is an entry in ClinVar:

ClinVar aggregate classification (germline): Benign (0 of 4 stars; one submission).

Conditions:
CLDN10-related disorder. Also called: CLDN10-related condition.

Allele frequency attached by ClinVar (database versions not stated): gnomAD exomes 0.00087; ExAC 0.00269; TOPMed 0.00958; 1000 Genomes Project 0.01038; ESP Exome Variant Server 0.01046; 1000 Genomes Project 30x 0.01156.
gnomAD v4.1: 2,701 of 1,614,072 alleles (0.17%); highest among the groups gnomAD compares: African/African-American, 3.1%; 43 homozygotes.

Submission:

PreventionGenetics, part of Exact Sciences
Classification: Benign for CLDN10-related condition. Last evaluated: 2019-03-07. Review status: no assertion criteria provided. Collection method: clinical testing. Allele origin: germline.
Comment: This variant is classified as benign based on ACMG/AMP sequence variant interpretation guidelines (Richards et al. 2015 PMID: 25741868, with internal and published modifications).

NM_006984.5(CLDN10):c.402A>C (p.Gly134=)

Gene: CLDN10 (claudin 10; plus strand). Cytogenetic location: 13q32.1.
Variant type: single nucleotide variant.
Coding change: c.402A>C on transcript NM_006984.5 (MANE Select); coding-DNA position 402, A replaced by C.
Protein change: p.Gly134=; no amino-acid change (glycine 134 retained).
Molecular consequence: synonymous variant.
Genome position (GRCh38, 1-based): chr13:95,560,401, A>C. VCF-style: chr13-95560401-A-C. GRCh37 (hg19) VCF-style: chr13-96212655-A-C.
Other names: c.339A>C, p.Gly113= (NM_001160100.2); c.396A>C, p.Gly132= (NM_182848.4).
Identifiers: ClinVar variation 3043902 (VCV003043902.2), dbSNP rs79906565, ClinGen allele CA7020187.
Genomic context (GRCh38, chr13:95,560,401, plus strand): 5'-AATCACACTAACCATAGTGCTTTCCCTCTAATATTTGTTAGGGCTGTGCTCAATGACTGG[A>C]TGTTCCCTATATGCAAACAAAATCACAACGGAATTCTTTGATCCTCTCTTTGTTGAGCAA-3'
Protein context (NP_008915.1, residues 124-144): FILSGLCSMT[Gly134=]CSLYANKITT